The following is an entry in ClinVar:

ClinVar aggregate classification (germline): Pathogenic. Review status: reviewed by expert panel (3 of 4 stars). 3 submissions from 3 submitters: Pathogenic (1). 2 of the submissions do not count toward it. Last evaluated 2017-12-15.

Conditions:
Breast-ovarian cancer, familial, susceptibility to, 1 (BROVCA1). Also called: BRCA1 Hereditary Breast and Ovarian Cancer; OVARIAN CANCER, SUSCEPTIBILITY TO. Identifiers: Orphanet 145, MedGen C2676676, MONDO:0011450, OMIM 604370. Disease mechanism: loss of function.
Hereditary cancer-predisposing syndrome. Also called: Neoplastic Syndromes, Hereditary; Hereditary neoplastic syndrome; Hereditary Cancer Syndrome; Tumor predisposition. Identifiers: Orphanet 140162, MedGen C0027672, MeSH D009386, MONDO:0015356.

Submissions (3):

Evidence-based Network for the Interpretation of Germline Mutant Alleles (ENIGMA)
Classification: Pathogenic for Breast-ovarian cancer, familial, susceptibility to, 1. Last evaluated: 2017-12-15. Review status: reviewed by expert panel. Criteria: ENIGMA BRCA1/2 Classification Criteria (2017-06-29). Collection method: curation. Allele origin: germline. Study: ENIGMA.
Comment: Variant allele predicted to encode a truncated non-functional protein.

Ambry Genetics
Classification: Pathogenic for Hereditary cancer-predisposing syndrome. Last evaluated: 2016-02-26. Review status: criteria provided, single submitter. Criteria: Ambry Variant Classification Scheme 2023. Collection method: clinical testing. Allele origin: germline. Not counted in ClinVar's aggregate classification.
Comment: The c.1674dupA variant, located in coding exon 9 of the BRCA1 gene, results from a duplication of A at nucleotide position 1674, causing a translational frameshift with a predicted alternate stop codon. Since frameshifts are typically deleterious in nature, this alteration is interpreted as a disease-causing mutation (ACMG Recommendations for Standards for Interpretation and Reporting of Sequence Variations. Revision 2007. Genet Med. 2008;10:294).

Department of Medical Genetics, Oslo University Hospital
Classification: Pathogenic for Breast-ovarian cancer, familial, susceptibility to, 1. Last evaluated: 2015-07-01. Review status: criteria provided, single submitter. Criteria: ACMG Guidelines, 2015. Collection method: clinical testing. Allele origin: germline. Affected: yes. Observed: 1 variant allele. Not counted in ClinVar's aggregate classification.

NM_007294.4(BRCA1):c.1674dup (p.Gly559fs)

Gene: BRCA1 (BRCA1 DNA repair associated; minus strand). Cytogenetic location: 17q21.31.
Variant type: Duplication.
Coding change: c.1674dup on transcript NM_007294.4 (MANE Select); coding-DNA position 1674, one base duplicated (A; older notation c.1674dupA).
Protein change: p.Gly559fs; shifts the reading frame from glycine 559.
Molecular consequence: frameshift variant. On other transcripts: intron variant (137).
Genome position (GRCh38, 1-based): chr17:43,093,857, T duplicated on the plus strand (A on the coding strand, the reverse complement: BRCA1 is on the minus strand); the first of 4 consecutive T bases (chr17:43,093,857-43,093,860); duplicating any one gives the same sequence. VCF-style (leftmost placement, unchanged base first): chr17-43093856-C-CT. GRCh37 (hg19) VCF-style: chr17-41245873-C-CT.
Other names: c.1674dupA (NM_007294.3); c.1671dup, p.Gly558fs (NM_001407610.1, NM_001407611.1, NM_001407612.1 and 22 more transcripts); c.1674dup, p.Gly559fs (NM_001407616.1, NM_001407617.1, NM_001407618.1 and 30 more transcripts); c.1665dup, p.Gly556fs (NM_001407647.1, NM_001407646.1); c.1551dup, p.Gly518fs (NM_001407648.1, NM_001407667.1, NM_001407668.1 and 19 more transcripts); c.1548dup, p.Gly517fs (NM_001407649.1, NM_001407670.1, NM_001407671.1 and 11 more transcripts); c.1596dup, p.Gly533fs (NM_001407653.1, NM_001407654.1, NM_001407655.1 and 4 more transcripts); c.1533dup, p.Gly512fs (NM_001407692.1, NM_001407694.1, NM_001407695.1 and 29 more transcripts); and 41 more; short protein forms G559fs, G512fs, G263fs, G432fs, G471fs, G488fs, G518fs, G558fs.
Identifiers: ClinVar variation 417825 (VCV000417825.7), dbSNP rs80357600, ClinGen allele CA16616887.